The following is an entry in ClinVar:

NM_001148.6(ANK2):c.670-10A>G

Gene: ANK2 (ankyrin 2; plus strand). Cytogenetic location: 4q26.
Variant type: single nucleotide variant.
Coding change: c.670-10A>G on transcript NM_001148.6 (MANE Select); 10 bases into the intron before coding-DNA position 670, A replaced by G.
Molecular consequence: intron variant.
Genome position (GRCh38, 1-based): chr4:113,237,589, A>G. VCF-style: chr4-113237589-A-G. GRCh37 (hg19) VCF-style: chr4-114158745-A-G.
Other names: c.658-10A>G (NM_001386186.2, NM_001386148.2, NM_001354269.3); c.657+417A>G (NM_001386187.2); c.651+417A>G (NM_001386147.1, NM_001386160.1, NM_001354261.2); c.607-10A>G (NM_001354254.2, NM_001354239.2, NM_001354252.2 and 14 more transcripts); c.606+417A>G (NM_001354249.2, NM_001354266.2, NM_001354276.2 and 16 more transcripts); c.715-10A>G (NM_001354241.2, NM_001386152.1, NM_001354237.2 and 5 more transcripts); c.670-10A>G (NM_001354225.2, NM_001354235.2, NM_001354246.2 and 10 more transcripts); c.721-10A>G (NM_001386174.1); and 1 more.
Identifiers: ClinVar variation 347305 (VCV000347305.16), dbSNP rs374372032, ClinGen allele CA3050080.

ClinVar aggregate classification (germline): Conflicting classifications of pathogenicity. Review status: criteria provided, conflicting classifications (1 of 4 stars). 4 submissions from 4 submitters: Uncertain significance (1); Benign (1); Likely benign (2). Last evaluated 2026-06-18.

Conditions:
ANK2-related disorder. Also called: ANK2-related condition.
Long QT syndrome (LQTS). Identifiers: MedGen C0023976, MeSH D008133, MONDO:0002442. Disease mechanism: loss of function. Inheritance: Various modes of inheritance.
Cardiac arrhythmia, ankyrin-B-related. Also called: ANKYRIN-B SYNDROME. Identifiers: Orphanet 101016, Orphanet 768, MedGen C1970119, MONDO:0010958, OMIM 600919.

Allele frequency attached by ClinVar (database versions not stated): gnomAD 0.00040 and 0.00044; TOPMed 0.00040; gnomAD exomes 0.00009; ExAC 0.00014; 1000 Genomes Project 30x 0.00031; ESP Exome Variant Server 0.00038; 1000 Genomes Project 0.00040.
gnomAD v4.1: 105 of 1,607,394 alleles (0.0065%); highest among the groups gnomAD compares: African/African-American, 0.13%; no homozygotes.

Submissions (4):

PreventionGenetics, part of Exact Sciences
Classification: Likely benign for ANK2-related condition. Last evaluated: 2026-06-18. Review status: criteria provided, single submitter. Criteria: ACMG Guidelines, 2015. Collection method: clinical testing. Allele origin: germline.
Comment: This variant is classified as likely benign based on ACMG/AMP sequence variant interpretation guidelines (Richards et al. 2015 PMID: 25741868, with internal and published modifications).

Labcorp Genetics (formerly Invitae), Labcorp
Classification: Benign for Long QT syndrome. Last evaluated: 2025-11-17. Review status: criteria provided, single submitter. Criteria: Invitae Variant Classification Sherloc (09022015). Collection method: clinical testing. Allele origin: germline.

Molecular Diagnostic Laboratory for Inherited Cardiovascular Disease, Montreal Heart Institute
Classification: Likely benign. Last evaluated: 2025-04-09. Review status: criteria provided, single submitter. Criteria: ACMG Guidelines, 2015. Collection method: clinical testing. Allele origin: germline. Affected: no.
Comment: BS1;BP6

Illumina Laboratory Services, Illumina
Classification: Uncertain significance for Cardiac arrhythmia, ankyrin-B-related. Last evaluated: 2018-01-13. Review status: criteria provided, single submitter. Criteria: ICSL Variant Classification Criteria 13 December 2019. Collection method: clinical testing. Allele origin: germline.